The following is an entry in ClinVar:

NM_001079843.3(CASZ1):c.2861T>C (p.Leu954Ser)

Gene: CASZ1 (castor zinc finger 1; minus strand). Cytogenetic location: 1p36.22.
Variant type: single nucleotide variant.
Coding change: c.2861T>C on transcript NM_001079843.3 (MANE Select); coding-DNA position 2861, T replaced by C.
Protein change: p.Leu954Ser; replaces leucine 954 with serine.
Molecular consequence: missense variant.
Genome position (GRCh38, 1-based): chr1:10,650,711, A>G on the plus strand (T>C on the coding strand, the complement: CASZ1 is on the minus strand). VCF-style: chr1-10650711-A-G. GRCh37 (hg19) VCF-style: chr1-10710768-A-G.
Other names: c.2861T>C, p.Leu954Ser (NM_017766.5); short protein forms L954S.
Identifiers: ClinVar variation 1420957 (VCV001420957.8), dbSNP rs199716442, ClinGen allele CA584700.

ClinVar aggregate classification (germline): Uncertain significance (1 of 4 stars; one submission).

Allele frequency attached by ClinVar (database versions not stated): ExAC 0.00003; gnomAD 0.00003; gnomAD exomes 0.00004 and 0.00008; TOPMed 0.00005; ESP Exome Variant Server 0.00015.
gnomAD v4.1: 120 of 1,613,860 alleles (0.0074%); highest among the groups gnomAD compares: Non-Finnish European, 0.0093%; no homozygotes.

Submission:

Labcorp Genetics (formerly Invitae), Labcorp
Classification: Uncertain significance. Last evaluated: 2021-03-16. Review status: criteria provided, single submitter. Criteria: Invitae Variant Classification Sherloc (09022015). Collection method: clinical testing. Allele origin: germline.
Comment: In summary, the available evidence is currently insufficient to determine the role of this variant in disease. Therefore, it has been classified as a Variant of Uncertain Significance. Algorithms developed to predict the effect of missense changes on protein structure and function are either unavailable or do not agree on the potential impact of this missense change (SIFT: "Deleterious"; PolyPhen-2: "Benign"; Align-GVGD: "Class C15"). This variant has not been reported in the literature in individuals with CASZ1-related conditions. This variant is present in population databases (rs199716442, ExAC 0.01%). This sequence change replaces leucine with serine at codon 954 of the CASZ1 protein (p.Leu954Ser). The leucine residue is highly conserved and there is a large physicochemical difference between leucine and serine.